The following is an entry in ClinVar:

NM_001127649.3(PEX26):c.709C>T (p.Arg237Cys)

Gene: PEX26 (peroxisomal biogenesis factor 26; plus strand). Cytogenetic location: 22q11.21.
Variant type: single nucleotide variant.
Coding change: c.709C>T on transcript NM_001127649.3 (MANE Select); coding-DNA position 709, C replaced by T.
Protein change: p.Arg237Cys; replaces arginine 237 with cysteine.
Molecular consequence: missense variant. On other transcripts: intron variant (1).
Genome position (GRCh38, 1-based): chr22:18,085,153, C>T. VCF-style: chr22-18085153-C-T. GRCh37 (hg19) VCF-style: chr22-18567919-C-T.
Other names: c.709C>T, p.Arg237Cys (NM_017929.6); c.667+1421C>T (NM_001199319.2); short protein forms R237C.
Identifiers: ClinVar variation 901041 (VCV000901041.9), dbSNP rs575612663, ClinGen allele CA10093398.

ClinVar aggregate classification (germline): Uncertain significance. Review status: criteria provided, multiple submitters, no conflicts (2 of 4 stars). 2 submissions from 2 submitters: Uncertain significance (2). Last evaluated 2025-03-17.

Conditions:
Peroxisome biogenesis disorder 7A (Zellweger). Also called: Peroxisome biogenesis disorder 7A. Identifiers: Orphanet 912, MedGen C3888385, MONDO:0013938, OMIM 614872.
Peroxisome biogenesis disorder 7B (PBD7B). Identifiers: Orphanet 44, MedGen C3553951, MONDO:0013939, OMIM 614873.

Allele frequency attached by ClinVar (database versions not stated): gnomAD 0.00001; ExAC 0.00002; gnomAD exomes 0.00002; TOPMed below 0.00001; 1000 Genomes Project 30x 0.00016; 1000 Genomes Project 0.00020.
gnomAD v4.1: 35 of 1,614,152 alleles (0.0022%); highest among the groups gnomAD compares: South Asian, 0.0055%; no homozygotes.

Submissions (2):

Labcorp Genetics (formerly Invitae), Labcorp
Classification: Uncertain significance for Peroxisome biogenesis disorder 7A (Zellweger); Peroxisome biogenesis disorder 7B. Last evaluated: 2025-03-17. Review status: criteria provided, single submitter. Criteria: Invitae Variant Classification Sherloc (09022015). Collection method: clinical testing. Allele origin: germline.
Comment: This sequence change replaces arginine, which is basic and polar, with cysteine, which is neutral and slightly polar, at codon 237 of the PEX26 protein (p.Arg237Cys). This variant is present in population databases (rs575612663, gnomAD 0.02%). This variant has not been reported in the literature in individuals affected with PEX26-related conditions. ClinVar contains an entry for this variant (Variation ID: 901041). Invitae Evidence Modeling of protein sequence and biophysical properties (such as structural, functional, and spatial information, amino acid conservation, physicochemical variation, residue mobility, and thermodynamic stability) has been performed for this missense variant. However, the output from this modeling did not meet the statistical confidence thresholds required to predict the impact of this variant on PEX26 protein function. In summary, the available evidence is currently insufficient to determine the role of this variant in disease. Therefore, it has been classified as a Variant of Uncertain Significance.

Illumina Laboratory Services, Illumina
Classification: Uncertain significance for Peroxisome biogenesis disorder 7A (Zellweger). Last evaluated: 2018-01-13. Review status: criteria provided, single submitter. Criteria: ICSL Variant Classification Criteria 13 December 2019. Collection method: clinical testing. Allele origin: germline.